The following is an entry in ClinVar:

ClinVar aggregate classification (germline): Uncertain significance. Review status: criteria provided, multiple submitters, no conflicts (2 of 4 stars). 3 submissions from 3 submitters: Uncertain significance (3). Last evaluated 2024-07-30.

Conditions:
Adams-Oliver syndrome 5 (AOS5). Identifiers: Orphanet 974, MedGen C4014970, MONDO:0014459, OMIM 616028.
Familial thoracic aortic aneurysm and aortic dissection (TAAD). Also called: Thoracic aortic aneurysms and dissections. Identifiers: Orphanet 91387, MedGen C4707243, MONDO:0019625.

gnomAD v4.1: 1 of 1,613,018 alleles (0.000062%); highest among the groups gnomAD compares: Non-Finnish European, 0.000085%; no homozygotes.

Submissions (3):

Women's Health and Genetics/Laboratory Corporation of America, LabCorp
Classification: Uncertain significance. Last evaluated: 2024-07-30. Review status: criteria provided, single submitter. Criteria: LabCorp Variant Classification Summary - May 2015. Collection method: clinical testing. Allele origin: germline.
Comment: Variant summary: NOTCH1 c.3260G>A (p.Ser1087Asn) results in a conservative amino acid change located in the EGF like domain of the encoded protein sequence. Three of five in-silico tools predict a damaging effect of the variant on protein function. The variant was absent in 248140 control chromosomes. The available data on variant occurrences in the general population are insufficient to allow any conclusion about variant significance. To our knowledge, no occurrence of c.3260G>A in individuals affected with Adams-Oliver Syndrome 5 and no experimental evidence demonstrating its impact on protein function have been reported. ClinVar contains an entry for this variant (Variation ID: 2978817). Based on the evidence outlined above, the variant was classified as uncertain significance.

Ambry Genetics
Classification: Uncertain significance for Familial thoracic aortic aneurysm and aortic dissection. Last evaluated: 2024-07-29. Review status: criteria provided, single submitter. Criteria: Ambry Variant Classification Scheme 2023. Collection method: clinical testing. Allele origin: germline.
Comment: The p.S1087N variant (also known as c.3260G>A), located in coding exon 20 of the NOTCH1 gene, results from a G to A substitution at nucleotide position 3260. The serine at codon 1087 is replaced by asparagine, an amino acid with highly similar properties. This amino acid position is conserved. In addition, this alteration is predicted to be tolerated by in silico analysis. Based on the available evidence, the clinical significance of this variant remains unclear.

Labcorp Genetics (formerly Invitae), Labcorp
Classification: Uncertain significance for Adams-Oliver syndrome 5. Last evaluated: 2024-01-06. Review status: criteria provided, single submitter. Criteria: Invitae Variant Classification Sherloc (09022015). Collection method: clinical testing. Allele origin: germline.
Comment: This sequence change replaces serine, which is neutral and polar, with asparagine, which is neutral and polar, at codon 1087 of the NOTCH1 protein (p.Ser1087Asn). This variant is not present in population databases (gnomAD no frequency). This variant has not been reported in the literature in individuals affected with NOTCH1-related conditions. Advanced modeling of protein sequence and biophysical properties (such as structural, functional, and spatial information, amino acid conservation, physicochemical variation, residue mobility, and thermodynamic stability) performed at Invitae indicates that this missense variant is not expected to disrupt NOTCH1 protein function with a negative predictive value of 80%. In summary, the available evidence is currently insufficient to determine the role of this variant in disease. Therefore, it has been classified as a Variant of Uncertain Significance.

NM_017617.5(NOTCH1):c.3260G>A (p.Ser1087Asn)

Gene: NOTCH1 (notch receptor 1; minus strand). Cytogenetic location: 9q34.3.
Variant type: single nucleotide variant.
Coding change: c.3260G>A on transcript NM_017617.5 (MANE Select); coding-DNA position 3260, G replaced by A.
Protein change: p.Ser1087Asn; replaces serine 1087 with asparagine.
Molecular consequence: missense variant.
Genome position (GRCh38, 1-based): chr9:136,508,297, C>T on the plus strand (G>A on the coding strand, the complement: NOTCH1 is on the minus strand). VCF-style: chr9-136508297-C-T. GRCh37 (hg19) VCF-style: chr9-139402749-C-T.
Other names: c.3260G>A (NM_017617.3); short protein forms S1087N.
Identifiers: ClinVar variation 2978817 (VCV002978817.5), dbSNP rs1843122224, ClinGen allele CA375552091.
Genomic context (GRCh38, chr9:136,508,297, plus strand): 5'-CGCTGCGCAGCCACCTCACAGGACACGCTGGGCACGTCGCAGTAAAGGCCGGTCCAGCCG[C>T]TGGGGCACTCGCAGCGGTACTGGGTGTGGGTCTGCCAGCATTTGCCGCCGTTCTTGCAGG-3'
Protein context (NP_060087.3, residues 1077-1097): THTQYRCECP[Ser1087Asn]GWTGLYCDVP